The following is an entry in ClinVar:

NM_001370466.1(NOD2):c.995G>A (p.Gly332Asp)

Gene: NOD2 (nucleotide binding oligomerization domain containing 2; plus strand). Cytogenetic location: 16q12.1.
Variant type: single nucleotide variant.
Coding change: c.995G>A on transcript NM_001370466.1 (MANE Select); coding-DNA position 995, G replaced by A.
Protein change: p.Gly332Asp; replaces glycine 332 with aspartic acid.
Molecular consequence: missense variant. On other transcripts: non-coding transcript variant (1).
Genome position (GRCh38, 1-based): chr16:50,710,987, G>A. VCF-style: chr16-50710987-G-A. GRCh37 (hg19) VCF-style: chr16-50744898-G-A.
Other names: c.995G>A, p.Gly332Asp (NM_001293557.2); c.1076G>A, p.Gly359Asp (NM_022162.3); short protein forms G332D, G359D.
Identifiers: ClinVar variation 1954097 (VCV001954097.5), dbSNP rs2506401350, ClinGen allele CA395868170.

ClinVar aggregate classification (germline): Uncertain significance (1 of 4 stars; one submission).

Conditions:
Blau syndrome (BLAUS). Also called: ARTHROCUTANEOUVEAL GRANULOMATOSIS; GRANULOMATOSIS, FAMILIAL JUVENILE SYSTEMIC; GRANULOMATOSIS, FAMILIAL, BLAU TYPE; GRANULOMATOUS INFLAMMATORY ARTHRITIS, DERMATITIS, AND UVEITIS, FAMILIAL; JABS SYNDROME. Identifiers: Orphanet 90340, MedGen C5201146, MONDO:0008523, OMIM 186580.
Regional enteritis. Also called: Enteritis, Granulomatous. Identifiers: MedGen C0678202, MeSH D003424.

Allele frequency attached by ClinVar (database versions not stated): gnomAD exomes 0.00001.
gnomAD v4.1: 14 of 1,614,228 alleles (0.00087%); highest among the groups gnomAD compares: Non-Finnish European, 0.0012%; no homozygotes.

Submission:

Labcorp Genetics (formerly Invitae), Labcorp
Classification: Uncertain significance for Regional enteritis; Blau syndrome. Last evaluated: 2025-10-14. Review status: criteria provided, single submitter. Criteria: Invitae Variant Classification Sherloc (09022015). Collection method: clinical testing. Allele origin: germline.
Comment: This sequence change replaces glycine, which is neutral and non-polar, with aspartic acid, which is acidic and polar, at codon 359 of the NOD2 protein (p.Gly359Asp). This variant is not present in population databases (gnomAD no frequency). This variant has not been reported in the literature in individuals affected with NOD2-related conditions. ClinVar contains an entry for this variant (Variation ID: 1954097). Invitae Evidence Modeling of protein sequence and biophysical properties (such as structural, functional, and spatial information, amino acid conservation, physicochemical variation, residue mobility, and thermodynamic stability) indicates that this missense variant is not expected to disrupt NOD2 protein function with a negative predictive value of 95%. In summary, the available evidence is currently insufficient to determine the role of this variant in disease. Therefore, it has been classified as a Variant of Uncertain Significance.